The following is an entry in ClinVar:

ClinVar aggregate classification (germline): Pathogenic (1 of 4 stars; one submission).

Conditions:
Bardet-Biedl syndrome (BBS). Identifiers: Orphanet 110, MedGen C0752166, MONDO:0015229.

Allele frequency attached by ClinVar (database versions not stated): gnomAD 0.00001.
gnomAD v4.1: 1 of 1,613,876 alleles (0.000062%); highest among the groups gnomAD compares: African/African-American, 0.0013%; no homozygotes.

Submission:

Labcorp Genetics (formerly Invitae), Labcorp
Classification: Pathogenic for Bardet-Biedl syndrome. Last evaluated: 2023-05-31. Review status: criteria provided, single submitter. Criteria: Invitae Variant Classification Sherloc (09022015). Collection method: clinical testing. Allele origin: germline.
Comment: This variant has not been reported in the literature in individuals affected with TRIM32-related conditions. This variant is present in population databases (no rsID available, gnomAD 0.01%). This sequence change creates a premature translational stop signal (p.Gln276*) in the TRIM32 gene. While this is not anticipated to result in nonsense mediated decay, it is expected to disrupt the last 378 amino acid(s) of the TRIM32 protein. This variant disrupts a region of the TRIM32 protein in which other variant(s) (p.Val591Met) have been determined to be pathogenic (PMID: 30823891). This suggests that this is a clinically significant region of the protein, and that variants that disrupt it are likely to be disease-causing. For these reasons, this variant has been classified as Pathogenic.

Literature cited by the submitters: PubMed 30823891.

NM_012210.4(TRIM32):c.826C>T (p.Gln276Ter)

Genes: ASTN2 (astrotactin 2; minus strand), TRIM32 (tripartite motif containing 32; plus strand). Cytogenetic location: 9q33.1.
Variant type: single nucleotide variant.
Coding change: c.826C>T on transcript NM_012210.4 (MANE Select); coding-DNA position 826, C replaced by T.
Protein change: p.Gln276Ter; replaces glutamine 276 with a stop codon.
Molecular consequence: nonsense. On other transcripts: intron variant (3).
Genome position (GRCh38, 1-based): chr9:116,698,568, C>T. VCF-style: chr9-116698568-C-T. GRCh37 (hg19) VCF-style: chr9-119460847-C-T.
Other names: c.826C>T, p.Gln276Ter (NM_001099679.2, NM_001379048.1, NM_001379049.1 and 1 more transcripts); c.2653+27203G>A (NM_014010.5); c.2794+27203G>A (NM_001365069.1); c.2806+27203G>A (NM_001365068.1); short protein forms Q276*.
Identifiers: ClinVar variation 2908560 (VCV002908560.3), dbSNP rs1228615020, ClinGen allele CA374649952.
Genomic context (GRCh38, chr9:116,698,568, plus strand): 5'-GAGACAGCTGATGAGGAGGAGCCAGAGCTCACTGCCAGCTTGCCTCGGGAGCTCACCCTG[C>T]AAGATGTGGAGCTCCTTAAGGTAGGTCATGTTGGCCCCCTCCAAATTGGACAAGCTGTTA-3'